The following is an entry in ClinVar:

NM_001122955.4(BSCL2):c.1264C>G (p.Leu422Val)

Genes: BSCL2 (BSCL2 lipid droplet biogenesis associated, seipin; minus strand), HNRNPUL2-BSCL2 (HNRNPUL2-BSCL2 readthrough (NMD candidate); minus strand). Cytogenetic location: 11q12.3.
Variant type: single nucleotide variant.
Coding change: c.1264C>G on transcript NM_001122955.4 (MANE Select); coding-DNA position 1264, C replaced by G.
Protein change: p.Leu422Val; replaces leucine 422 with valine.
Molecular consequence: missense variant. On other transcripts: non-coding transcript variant (1), 3 prime UTR variant (1).
Genome position (GRCh38, 1-based): chr11:62,690,492, G>C on the plus strand (C>G on the coding strand, the complement: BSCL2 is on the minus strand). VCF-style: chr11-62690492-G-C. GRCh37 (hg19) VCF-style: chr11-62457964-G-C.
Other names: c.*66C>G (NM_001130702.2); c.1270C>G, p.Leu424Val (NM_001386027.1); c.1264C>G, p.Leu422Val (NM_001386028.1); c.1072C>G, p.Leu358Val (NM_032667.6); short protein forms L358V, L422V, L424V.
Identifiers: ClinVar variation 1316091 (VCV001316091.3), dbSNP rs772442281, ClinGen allele CA6053265.

ClinVar aggregate classification (germline): Uncertain significance. Review status: criteria provided, multiple submitters, no conflicts (2 of 4 stars). 2 submissions from 2 submitters: Uncertain significance (2). Last evaluated 2022-04-06.

Conditions:
Congenital generalized lipodystrophy type 2 (CGL2). Also called: BERARDINELLI SYNDROME; BRUNZELL SYNDROME, BSCL2-RELATED; SEIP SYNDROME; Berardinelli-Seip Congenital Lipodystrophy Type 2. Identifiers: Orphanet 528, Orphanet 696289, MedGen C1720863, MONDO:0010020, OMIM 269700.
Hereditary spastic paraplegia 17. Also called: SPASTIC PARAPLEGIA WITH AMYOTROPHY OF HANDS AND FEET; Spastic Paraplegia 17; Autosomal dominant spastic paraplegia type 17; Silver Syndrome; Silver spastic paraplegia syndrome. Identifiers: Orphanet 100998, MedGen C2931276, MONDO:0010043, OMIM 270685.
Severe neurodegenerative syndrome with lipodystrophy. Also called: Encephalopathy, progressive, with or without lipodystrophy; ENCEPHALOPATHY, PROGRESSIVE, WITH LIPODYSTROPHY. Identifiers: Orphanet 363400, MedGen C4014700, MONDO:0014402, OMIM 615924.
Neuronopathy, distal hereditary motor, type 5C. Also called: DHMN VC; NEURONOPATHY, DISTAL HEREDITARY MOTOR, AUTOSOMAL DOMINANT 13; NEURONOPATHY, DISTAL HEREDITARY MOTOR, HARDING TYPE VC; NEUROPATHY, DISTAL HEREDITARY MOTOR, HARDING TYPE VC; SPINAL MUSCULAR ATROPHY, DISTAL, HARDING TYPE VC. Identifiers: MedGen C5436838, MONDO:0030860, OMIM 619112.

Allele frequency attached by ClinVar (database versions not stated): gnomAD exomes below 0.00001; ExAC 0.00001; gnomAD 0.00001; TOPMed 0.00001.
gnomAD v4.1: 1 of 1,614,052 alleles (0.000062%); highest among the groups gnomAD compares: African/African-American, 0.0013%; no homozygotes.

Submissions (2):

Fulgent Genetics
Classification: Uncertain significance for Congenital generalized lipodystrophy type 2; Hereditary spastic paraplegia 17; Severe neurodegenerative syndrome with lipodystrophy; Neuronopathy, distal hereditary motor, type 5C. Last evaluated: 2022-04-06. Review status: criteria provided, single submitter. Criteria: ACMG Guidelines, 2015. Collection method: clinical testing. Allele origin: unknown.

GeneDx
Classification: Uncertain significance. Last evaluated: 2019-03-19. Review status: criteria provided, single submitter. Criteria: GeneDx Variant Classification Process June 2021. Collection method: clinical testing. Allele origin: germline. Affected: yes.
Comment: Not observed at a significant frequency in large population cohorts (Lek et al., 2016); In silico analysis, which includes protein predictors and evolutionary conservation, supports a deleterious effect; Has not been previously published as pathogenic or benign to our knowledge